The following is an entry in ClinVar:

NM_000313.4(PROS1):c.1644+2_1644+3insTT

Gene: PROS1 (protein S; minus strand). Cytogenetic location: 3q11.1.
Variant type: Insertion.
Coding change: c.1644+2_1644+3insTT on transcript NM_000313.4 (MANE Select); the canonical splice donor site of the intron after coding-DNA position 1644 through 3 bases into the intron after coding-DNA position 1644, TT inserted.
Molecular consequence: splice donor variant.
Genome position: GRCh38 VCF-style: chr3-93879160-T-TAA. GRCh37 (hg19) VCF-style: chr3-93598004-T-TAA.
Other names: p.?; c.1740+2_1740+3insTT (NM_001314077.2).
Identifiers: ClinVar variation 472996 (VCV000472996.6), dbSNP rs1218619325, ClinGen allele CA658657324.

ClinVar aggregate classification (germline): Uncertain significance. Review status: criteria provided, multiple submitters, no conflicts (2 of 4 stars). 2 submissions from 2 submitters: Uncertain significance (2). Last evaluated 2025-10-20.

Conditions:
Thrombophilia due to protein S deficiency, autosomal recessive (THPH6). Identifiers: Orphanet 743, MedGen C3281092, MONDO:0013791, OMIM 614514. Disease mechanism: loss of function.

Submissions (2):

Mayo Clinic Laboratories, Mayo Clinic
Classification: Uncertain significance. Last evaluated: 2025-10-20. Review status: criteria provided, single submitter. Criteria: ACMG Guidelines, 2015. Collection method: clinical testing. Allele origin: germline. Observed: 1 variant allele.
Comment: PM2_supporting

Labcorp Genetics (formerly Invitae), Labcorp
Classification: Uncertain significance for Thrombophilia due to protein S deficiency, autosomal recessive. Last evaluated: 2025-09-29. Review status: criteria provided, single submitter. Criteria: Invitae Variant Classification Sherloc (09022015). Collection method: clinical testing. Allele origin: germline.
Comment: This sequence change falls in intron 13 of the PROS1 gene. It does not directly change the encoded amino acid sequence of the PROS1 protein. It affects a nucleotide within the consensus splice site. This variant is not present in population databases (gnomAD no frequency). This variant has not been reported in the literature in individuals affected with PROS1-related conditions. ClinVar contains an entry for this variant (Variation ID: 472996). Variants that disrupt the consensus splice site are a relatively common cause of aberrant splicing (PMID: 17576681, 9536098). Algorithms developed to predict the effect of sequence changes on RNA splicing suggest that this variant may disrupt the consensus splice site. In summary, the available evidence is currently insufficient to determine the role of this variant in disease. Therefore, it has been classified as a Variant of Uncertain Significance.

Literature cited by the submitters: PubMed 17576681 (cited by Labcorp Genetics (formerly Invitae), Labcorp); PubMed 9536098 (cited by Labcorp Genetics (formerly Invitae), Labcorp).